The following is an entry in ClinVar:

ClinVar aggregate classification (germline): Uncertain significance (1 of 4 stars; one submission).

Submission:

GeneDx
Classification: Uncertain significance. Last evaluated: 2026-01-05. Review status: criteria provided, single submitter. Criteria: GeneDx Variant Classification Process June 2021. Collection method: clinical testing. Allele origin: germline.
Comment: Not observed at significant frequency in large population cohorts (gnomAD); In silico analysis supports that this missense variant has a deleterious effect on protein structure/function; Has not been previously published as pathogenic or benign to our knowledge

NM_197968.4(ZMYM2):c.3542G>A (p.Ser1181Asn)

Gene: ZMYM2 (zinc finger MYM-type containing 2; plus strand). Cytogenetic location: 13q12.11.
Variant type: single nucleotide variant.
Coding change: c.3542G>A on transcript NM_197968.4 (MANE Select); coding-DNA position 3542, G replaced by A.
Protein change: p.Ser1181Asn; replaces serine 1181 with asparagine.
Molecular consequence: missense variant. On other transcripts: non-coding transcript variant (1).
Genome position (GRCh38, 1-based): chr13:20,082,104, G>A. VCF-style: chr13-20082104-G-A. GRCh37 (hg19) VCF-style: chr13-20656244-G-A.
Other names: c.3542G>A, p.Ser1181Asn (NM_001190964.4, NM_001190965.4, NM_001353157.2 and 4 more transcripts); c.3347G>A, p.Ser1116Asn (NM_001353161.3); c.3281G>A, p.Ser1094Asn (NM_001353163.2); short protein forms S1094N, S1116N, S1181N.
Identifiers: ClinVar variation 3893545 (VCV003893545.2).
Genomic context (GRCh38, chr13:20,082,104, plus strand): 5'-ACATATTTATTGATCCTGGATACCAAACATTTGAGCAAGAATTGAATAAAATACTGCGAA[G>A]CTGGCAACCAAGCATACTTCCAGATGGTAATGCTATTTTCACTAAAGGTGTTGCTCTCTT-3'
Protein context (NP_932072.1, residues 1171-1191): FEQELNKILR[Ser1181Asn]WQPSILPDGS